The following is an entry in ClinVar:

ClinVar aggregate classification (germline): Uncertain significance (1 of 4 stars; one submission).

Conditions:
Developmental and epileptic encephalopathy, 12 (DEE12). Identifiers: MedGen C3150988, MONDO:0013389, OMIM 613722.

gnomAD v4.1: 6 of 1,565,434 alleles (0.00038%); highest among the groups gnomAD compares: Non-Finnish European, 0.00052%; no homozygotes.

Submission:

Labcorp Genetics (formerly Invitae), Labcorp
Classification: Uncertain significance for Developmental and epileptic encephalopathy, 12. Last evaluated: 2021-09-01. Review status: criteria provided, single submitter. Criteria: Invitae Variant Classification Sherloc (09022015). Collection method: clinical testing. Allele origin: germline.
Comment: This sequence change replaces alanine with glutamic acid at codon 429 of the PNKP protein (p.Ala429Glu). The alanine residue is weakly conserved and there is a moderate physicochemical difference between alanine and glutamic acid. This variant is not present in population databases (ExAC no frequency). This variant has not been reported in the literature in individuals affected with PNKP-related conditions. Algorithms developed to predict the effect of missense changes on protein structure and function (SIFT, PolyPhen-2, Align-GVGD) all suggest that this variant is likely to be tolerated. In summary, the available evidence is currently insufficient to determine the role of this variant in disease. Therefore, it has been classified as a Variant of Uncertain Significance.

NM_007254.4(PNKP):c.1286C>A (p.Ala429Glu)

Gene: PNKP (polynucleotide kinase 3'-phosphatase; minus strand). Cytogenetic location: 19q13.33.
Variant type: single nucleotide variant.
Coding change: c.1286C>A on transcript NM_007254.4 (MANE Select); coding-DNA position 1286, C replaced by A.
Protein change: p.Ala429Glu; replaces alanine 429 with glutamic acid.
Molecular consequence: missense variant.
Genome position (GRCh38, 1-based): chr19:49,861,784, G>T on the plus strand (C>A on the coding strand, the complement: PNKP is on the minus strand). VCF-style: chr19-49861784-G-T. GRCh37 (hg19) VCF-style: chr19-50365041-G-T.
Other names: short protein forms A429E.
Identifiers: ClinVar variation 1055075 (VCV001055075.6), dbSNP rs769707108, ClinGen allele CA406933386.
Genomic context (GRCh38, chr19:49,861,784, plus strand): 5'-CCCCGCCCACCCCGCCGCAGGCCACCTACGGCCCCGCGGTCACGCTACCTGGCGCGGCTC[G>T]CGGCGTCTGGGTTTGTGTTGTCGATGGCGACCCGTTTCCCTTGCTTCAGGGCTGTCTCAC-3'
Protein context (NP_009185.2, residues 419-439): VAIDNTNPDA[Ala429Glu]SRARYVQCAR